The following is an entry in ClinVar:

ClinVar aggregate classification (germline): Uncertain significance. Review status: criteria provided, single submitter (1 of 4 stars). 2 submissions from 2 submitters: Uncertain significance (1). 1 of the submissions does not count toward it. Last evaluated 2024-01-08.

Conditions:
Polycystic kidney disease 4 (PKD4). Also called: POLYCYSTIC KIDNEY DISEASE 4 WITH OR WITHOUT POLYCYSTIC LIVER DISEASE; PKD3; POLYCYSTIC KIDNEY AND HEPATIC DISEASE 1; POLYCYSTIC KIDNEY DISEASE, INFANTILE, TYPE I; Autosomal Recessive Polycystic Kidney Disease – PKHD1. Identifiers: MedGen C4540575, MONDO:0033004, OMIM 263200.
PKHD1-related disorder. Also called: PKHD1-related condition.

Allele frequency attached by ClinVar (database versions not stated): gnomAD 0.00001; TOPMed 0.00001; ExAC 0.00002; gnomAD exomes 0.00002.
gnomAD v4.1: 12 of 1,613,998 alleles (0.00074%); highest among the groups gnomAD compares: Admixed American, 0.013%; no homozygotes.

Submissions (2):

Fulgent Genetics
Classification: Uncertain significance for Polycystic kidney disease 4. Last evaluated: 2024-01-08. Review status: criteria provided, single submitter. Criteria: ACMG Guidelines, 2015. Collection method: clinical testing. Allele origin: germline.

PreventionGenetics, part of Exact Sciences
Classification: Likely benign for PKHD1-related condition. Last evaluated: 2024-02-20. Review status: no assertion criteria provided. Collection method: clinical testing. Allele origin: germline. Not counted in ClinVar's aggregate classification.
Comment: This variant is classified as likely benign based on ACMG/AMP sequence variant interpretation guidelines (Richards et al. 2015 PMID: 25741868, with internal and published modifications).

NM_138694.4(PKHD1):c.264G>A (p.Val88=)

Gene: PKHD1 (PKHD1 ciliary IPT domain containing fibrocystin/polyductin; minus strand). Cytogenetic location: 6p12.2.
Variant type: single nucleotide variant.
Coding change: c.264G>A on transcript NM_138694.4 (MANE Select); coding-DNA position 264, G replaced by A.
Protein change: p.Val88=; no amino-acid change (valine 88 retained).
Molecular consequence: synonymous variant.
Genome position (GRCh38, 1-based): chr6:52,082,409, C>T on the plus strand (G>A on the coding strand, the complement: PKHD1 is on the minus strand). VCF-style: chr6-52082409-C-T. GRCh37 (hg19) VCF-style: chr6-51947207-C-T.
Other names: c.264G>A, p.Val88= (NM_170724.3).
Identifiers: ClinVar variation 3061327 (VCV003061327.3), dbSNP rs767188133, ClinGen allele CA3853986.
Genomic context (GRCh38, chr6:52,082,409, plus strand): 5'-ATCCCTCATCCTGTCTGGTCTTCCTATTCCCAGACAGGTATACCTGGTCCGGCATGTCAC[C>T]ACAGGCAAATCCAAGAAAACAGGAAAGACGTCACAGGGAACACTCCGCAGTGCGGGCACC-3'
Protein context (NP_619639.3, residues 78-98): DVFPVFLDLP[Val88=]VTCRTRSVLS